The following is an entry in ClinVar:

NM_033380.3(COL4A5):c.4832C>G (p.Ala1611Gly)

Gene: COL4A5 (collagen type IV alpha 5 chain; plus strand). Cytogenetic location: Xq22.3.
Variant type: single nucleotide variant.
Coding change: c.4832C>G on transcript NM_033380.3 (MANE Select); coding-DNA position 4832, C replaced by G.
Protein change: p.Ala1611Gly; replaces alanine 1611 with glycine.
Molecular consequence: missense variant.
Genome position (GRCh38, 1-based): chrX:108,695,277, C>G. VCF-style: chrX-108695277-C-G. GRCh37 (hg19) VCF-style: chrX-107938507-C-G.
Other names: c.4814C>G, p.Ala1605Gly (NM_000495.5); short protein forms A1605G, A1611G.
Identifiers: ClinVar variation 3384651 (VCV003384651.1).

ClinVar aggregate classification (germline): Uncertain significance (1 of 4 stars; one submission).

gnomAD v4.1: 1 of 1,211,055 alleles (0.000083%); highest among the groups gnomAD compares: Non-Finnish European, 0.00011%; no homozygotes.

Submission:

GeneDx
Classification: Uncertain significance. Last evaluated: 2024-06-07. Review status: criteria provided, single submitter. Criteria: GeneDx Variant Classification Process June 2021. Collection method: clinical testing. Allele origin: germline. Affected: yes.
Comment: Not observed at significant frequency in large population cohorts (gnomAD); In silico analysis supports that this missense variant has a deleterious effect on protein structure/function; Has not been previously published as pathogenic or benign to our knowledge